The following is an entry in ClinVar:

ClinVar aggregate classification (germline): Conflicting classifications of pathogenicity. Review status: criteria provided, conflicting classifications (1 of 4 stars). 4 submissions from 4 submitters: Uncertain significance (1); Benign (1); Likely benign (2). Last evaluated 2025-03-21.

Conditions:
Hereditary cancer-predisposing syndrome. Also called: Hereditary neoplastic syndrome; Hereditary Cancer Syndrome; Tumor predisposition; Neoplastic Syndromes, Hereditary. Identifiers: Orphanet 140162, MedGen C0027672, MeSH D009386, MONDO:0015356.
Familial cancer of breast. Also called: BREAST CANCER, FAMILIAL; hereditary breast carcinoma; Hereditary breast cancer. Identifiers: Orphanet 227535, MedGen C0346153, MONDO:0016419, OMIM 114480. Disease mechanism: loss of function.

Submissions (4):

Women's Health and Genetics/Laboratory Corporation of America, LabCorp
Classification: Likely benign. Last evaluated: 2025-03-21. Review status: criteria provided, single submitter. Criteria: LabCorp Variant Classification Summary - May 2015. Collection method: clinical testing. Allele origin: germline.

Labcorp Genetics (formerly Invitae), Labcorp
Classification: Likely benign for Familial cancer of breast. Last evaluated: 2025-03-11. Review status: criteria provided, single submitter. Criteria: Invitae Variant Classification Sherloc (09022015). Collection method: clinical testing. Allele origin: germline.

Myriad Genetics, Inc.
Classification: Benign for Familial cancer of breast. Last evaluated: 2025-01-17. Review status: criteria provided, single submitter. Criteria: Myriad Autosomal Dominant, Autosomal Recessive and X-Linked Classification Criteria (2023). Collection method: clinical testing. Allele origin: unknown.
Comment: This variant is considered benign. This variant is a silent/synonymous amino acid change and it is not expected to impact splicing.

Ambry Genetics
Classification: Uncertain significance for Hereditary cancer-predisposing syndrome. Last evaluated: 2023-08-18. Review status: criteria provided, single submitter. Criteria: Ambry Variant Classification Scheme 2023. Collection method: clinical testing. Allele origin: germline.
Comment: The c.2733C>T variant (also known as p.T911T), located in coding exon 7 of the PALB2 gene, results from a C to T substitution at nucleotide position 2733. This nucleotide substitution does not change the threonine at codon 911. This nucleotide position is not well conserved in available vertebrate species. In silico splice site analysis for this alteration is inconclusive. Since supporting evidence is limited at this time, the clinical significance of this alteration remains unclear.

NM_024675.4(PALB2):c.2733C>T (p.Thr911=)

Gene: PALB2 (partner and localizer of BRCA2; minus strand). Cytogenetic location: 16p12.2.
Variant type: single nucleotide variant.
Coding change: c.2733C>T on transcript NM_024675.4 (MANE Select); coding-DNA position 2733, C replaced by T.
Protein change: p.Thr911=; no amino-acid change (threonine 911 retained).
Molecular consequence: synonymous variant.
Genome position (GRCh38, 1-based): chr16:23,626,251, G>A on the plus strand (C>T on the coding strand, the complement: PALB2 is on the minus strand). VCF-style: chr16-23626251-G-A. GRCh37 (hg19) VCF-style: chr16-23637572-G-A.
Other names: c.2733C>T (NM_024675.3).
Identifiers: ClinVar variation 1130788 (VCV001130788.13), dbSNP rs1555459927, ClinGen allele CA494161170.